The following is an entry in ClinVar:

ClinVar aggregate classification (germline): Uncertain significance (1 of 4 stars; one submission).

Conditions:
Familial cancer of breast. Also called: Hereditary breast cancer; BREAST CANCER, FAMILIAL; hereditary breast carcinoma. Identifiers: Orphanet 227535, MedGen C0346153, MONDO:0016419, OMIM 114480. Disease mechanism: loss of function.
Fanconi anemia complementation group J. Also called: BRIP1-Related Fanconi Anemia. Identifiers: Orphanet 84, MedGen C1836860, MONDO:0012187, OMIM 609054.

Submission:

Labcorp Genetics (formerly Invitae), Labcorp
Classification: Uncertain significance for Familial cancer of breast; Fanconi anemia complementation group J. Last evaluated: 2024-12-12. Review status: criteria provided, single submitter. Criteria: Invitae Variant Classification Sherloc (09022015). Collection method: clinical testing. Allele origin: germline.
Comment: This sequence change creates a premature translational stop signal (p.Tyr1137Metfs*13) in the BRIP1 gene. While this is not anticipated to result in nonsense mediated decay, it is expected to disrupt the last 113 amino acid(s) of the BRIP1 protein. This variant is not present in population databases (gnomAD no frequency). This variant has not been reported in the literature in individuals affected with BRIP1-related conditions. Experimental studies and prediction algorithms are not available or were not evaluated, and the functional significance of this variant is currently unknown. In summary, the available evidence is currently insufficient to determine the role of this variant in disease. Therefore, it has been classified as a Variant of Uncertain Significance.

NM_032043.3(BRIP1):c.3409del (p.Tyr1137fs)

Gene: BRIP1 (BRCA1 interacting DNA helicase 1; minus strand). Cytogenetic location: 17q23.2.
Variant type: Deletion.
Coding change: c.3409del on transcript NM_032043.3 (MANE Select); coding-DNA position 3409, one base deleted (T; older notation c.3409delT).
Protein change: p.Tyr1137fs; shifts the reading frame from tyrosine 1137.
Molecular consequence: frameshift variant.
Genome position (GRCh38, 1-based): chr17:61,683,637, A deleted on the plus strand (T on the coding strand, the reverse complement: BRIP1 is on the minus strand); the first of 3 consecutive A bases (chr17:61,683,637-61,683,639); deleting any one gives the same sequence. VCF-style (leftmost placement, unchanged base first): chr17-61683636-TA-T. GRCh37 (hg19) VCF-style: chr17-59760997-TA-T.
Other names: short protein forms Y1137fs.
Identifiers: ClinVar variation 3751013 (VCV003751013.2).